The following is an entry in ClinVar:

NM_025099.6(CTC1):c.721C>T (p.Gln241Ter)

Gene: CTC1 (CST telomere replication complex component 1; minus strand). Cytogenetic location: 17p13.1.
Variant type: single nucleotide variant.
Coding change: c.721C>T on transcript NM_025099.6 (MANE Select); coding-DNA position 721, C replaced by T.
Protein change: p.Gln241Ter; replaces glutamine 241 with a stop codon.
Molecular consequence: nonsense.
Genome position (GRCh38, 1-based): chr17:8,237,446, G>A on the plus strand (C>T on the coding strand, the complement: CTC1 is on the minus strand). VCF-style: chr17-8237446-G-A. GRCh37 (hg19) VCF-style: chr17-8140764-G-A.
Other names: c.721C>T, p.Gln241Ter (NM_001411067.1); short protein forms Q241*.
Identifiers: ClinVar variation 4007865 (VCV004007865.1).

ClinVar aggregate classification (germline): Pathogenic (1 of 4 stars; one submission).

Conditions:
Inborn genetic diseases. Identifiers: MedGen C0950123, MeSH D030342.

Submission:

Ambry Genetics
Classification: Pathogenic for Inborn genetic diseases. Last evaluated: 2025-04-25. Review status: criteria provided, single submitter. Criteria: Ambry Variant Classification Scheme 2023. Collection method: clinical testing. Allele origin: germline.
Comment: The c.721C>T (p.Q241*) alteration, located in exon 5 (coding exon 5) of the CTC1 gene, consists of a C to T substitution at nucleotide position 721. This changes the amino acid from a glutamine (Q) to a stop codon at amino acid position 241. This alteration is expected to result in loss of function by premature protein truncation or nonsense-mediated mRNA decay. Based on data from gnomAD, the T allele has an overall frequency of 0.004% (11/249584) total alleles studied. The highest observed frequency was 0.009% (2/21562) of European (Finnish) alleles. This variant has been identified in conjunction with other CTC1 variant(s) in individual(s) with features consistent with CTC1-related cerebroretinal microangiopathy with calcifications and cysts (Walne, 2013; Anderson, 2012). Based on the available evidence, this alteration is classified as pathogenic.

Literature cited by the submitters: PubMed 22267198; PubMed 22899577.